The following is an entry in ClinVar:

NM_004204.5(PIGQ):c.1617C>T (p.Arg539=)

Gene: PIGQ (phosphatidylinositol glycan anchor biosynthesis class Q; plus strand). Cytogenetic location: 16p13.3.
Variant type: single nucleotide variant.
Coding change: c.1617C>T on transcript NM_004204.5 (MANE Select); coding-DNA position 1617, C replaced by T.
Protein change: p.Arg539=; no amino-acid change (arginine 539 retained).
Molecular consequence: synonymous variant. On other transcripts: missense variant (1).
Genome position (GRCh38, 1-based): chr16:582,906, C>T. VCF-style: chr16-582906-C-T. GRCh37 (hg19) VCF-style: chr16-632906-C-T.
Other names: p.Arg539=; c.1617C>T (NM_004204.4); c.1555C>T, p.Arg519Cys (NM_148920.4); short protein forms R519C.
Identifiers: ClinVar variation 456037 (VCV000456037.38), dbSNP rs141040910, ClinGen allele CA7780492.

ClinVar aggregate classification (germline): Benign/Likely benign. Review status: criteria provided, multiple submitters, no conflicts (2 of 4 stars). 5 submissions from 5 submitters: Benign (3); Likely benign (2). Last evaluated 2026-02-02.

Conditions:
Epilepsy. Also called: Seizure disorder. Identifiers: MedGen C0014544, MeSH D004827, MONDO:0005027.

Allele frequency attached by ClinVar (database versions not stated): gnomAD exomes 0.00045 and 0.00122; ExAC 0.00148; gnomAD 0.00411 and 0.00442; 1000 Genomes Project 0.00439; TOPMed 0.00496; 1000 Genomes Project 30x 0.00500; ESP Exome Variant Server 0.00577.

Submissions (5):

Labcorp Genetics (formerly Invitae), Labcorp
Classification: Benign for Epilepsy. Last evaluated: 2026-02-02. Review status: criteria provided, single submitter. Criteria: Invitae Variant Classification Sherloc (09022015). Collection method: clinical testing. Allele origin: germline.

CeGaT Center for Human Genetics Tuebingen
Classification: Likely benign. Last evaluated: 2025-11-01. Review status: criteria provided, single submitter. Criteria: CeGaT Center For Human Genetics Tuebingen Variant Classification Criteria Version 2. Collection method: clinical testing. Allele origin: germline. Affected: yes. Observed: 4 variant alleles.
Comment: PIGQ: BP4, BS1

Blueprint Genetics
Classification: Likely benign. Last evaluated: 2024-11-11. Review status: criteria provided, single submitter. Criteria: ACMG Guidelines, 2015. Collection method: clinical testing. Allele origin: germline.

Mayo Clinic Laboratories, Mayo Clinic
Classification: Benign. Last evaluated: 2022-09-28. Review status: criteria provided, single submitter. Criteria: ACMG Guidelines, 2015. Collection method: clinical testing. Allele origin: germline. Observed: 3 variant alleles.
Comment: BS1, BS2, BP4, BP7

Breakthrough Genomics
Classification: Benign. Review status: criteria provided, single submitter. Criteria: ACMG Guidelines, 2015. Collection method: not provided. Allele origin: germline. Inheritance: Autosomal recessive inheritance. Affected: yes.